The following is an entry in ClinVar:

NM_002230.4(JUP):c.2095G>T (p.Ala699Ser)

Gene: JUP (junction plakoglobin; minus strand). Cytogenetic location: 17q21.2.
Variant type: single nucleotide variant.
Coding change: c.2095G>T on transcript NM_002230.4 (MANE Select); coding-DNA position 2095, G replaced by T.
Protein change: p.Ala699Ser; replaces alanine 699 with serine.
Molecular consequence: missense variant.
Genome position (GRCh38, 1-based): chr17:41,755,887, C>A on the plus strand (G>T on the coding strand, the complement: JUP is on the minus strand). VCF-style: chr17-41755887-C-A. GRCh37 (hg19) VCF-style: chr17-39912139-C-A.
Other names: c.2095G>T, p.Ala699Ser (NM_001352773.2, NM_001352774.2, NM_001352775.2 and 3 more transcripts); short protein forms A699S.
Identifiers: ClinVar variation 1785788 (VCV001785788.2), dbSNP rs782532135, ClinGen allele CA8565005.

ClinVar aggregate classification (germline): Uncertain significance (1 of 4 stars; one submission).

Conditions:
Cardiovascular phenotype. Identifiers: MedGen CN230736.

Allele frequency attached by ClinVar (database versions not stated): gnomAD exomes below 0.00001; ExAC 0.00001; gnomAD 0.00002; TOPMed 0.00002.
gnomAD v4.1: 4 of 1,608,392 alleles (0.00025%); highest among the groups gnomAD compares: African/African-American, 0.0053%; no homozygotes.

Submission:

Ambry Genetics
Classification: Uncertain significance for Cardiovascular phenotype. Last evaluated: 2022-08-17. Review status: criteria provided, single submitter. Criteria: Ambry Variant Classification Scheme 2023. Collection method: clinical testing. Allele origin: germline.
Comment: The p.A699S variant (also known as c.2095G>T), located in coding exon 13 of the JUP gene, results from a G to T substitution at nucleotide position 2095. The alanine at codon 699 is replaced by serine, an amino acid with similar properties. This amino acid position is conserved. In addition, this alteration is predicted to be tolerated by in silico analysis. Since supporting evidence is limited at this time, the clinical significance of this alteration remains unclear.